The following is an entry in ClinVar:

ClinVar aggregate classification (germline): Uncertain significance (1 of 4 stars; one submission).

Conditions:
Catecholaminergic polymorphic ventricular tachycardia 1. Also called: VENTRICULAR TACHYCARDIA, STRESS-INDUCED POLYMORPHIC 1; VENTRICULAR TACHYCARDIA, CATECHOLAMINERGIC POLYMORPHIC, 1, WITH OR WITHOUT ATRIAL DYSFUNCTION AND/OR DILATED CARDIOMYOPATHY; RYR2-Related Catecholaminergic Polymorphic Ventricular Tachycardia. Identifiers: Orphanet 3286, MedGen C1631597, MONDO:0011484, OMIM 604772.

Submission:

Labcorp Genetics (formerly Invitae), Labcorp
Classification: Uncertain significance for Catecholaminergic polymorphic ventricular tachycardia 1. Last evaluated: 2024-05-20. Review status: criteria provided, single submitter. Criteria: Invitae Variant Classification Sherloc (09022015). Collection method: clinical testing. Allele origin: germline.
Comment: This sequence change replaces asparagine, which is neutral and polar, with threonine, which is neutral and polar, at codon 3185 of the RYR2 protein (p.Asn3185Thr). This variant is not present in population databases (gnomAD no frequency). This variant has not been reported in the literature in individuals affected with RYR2-related conditions. Advanced modeling of protein sequence and biophysical properties (such as structural, functional, and spatial information, amino acid conservation, physicochemical variation, residue mobility, and thermodynamic stability) performed at Invitae indicates that this missense variant is not expected to disrupt RYR2 protein function with a negative predictive value of 95%. In summary, the available evidence is currently insufficient to determine the role of this variant in disease. Therefore, it has been classified as a Variant of Uncertain Significance.

NM_001035.3(RYR2):c.9554A>C (p.Asn3185Thr)

Gene: RYR2 (ryanodine receptor 2; plus strand). Cytogenetic location: 1q43.
Variant type: single nucleotide variant.
Coding change: c.9554A>C on transcript NM_001035.3 (MANE Select); coding-DNA position 9554, A replaced by C.
Protein change: p.Asn3185Thr; replaces asparagine 3185 with threonine.
Molecular consequence: missense variant.
Genome position (GRCh38, 1-based): chr1:237,705,317, A>C. VCF-style: chr1-237705317-A-C. GRCh37 (hg19) VCF-style: chr1-237868617-A-C.
Other names: short protein forms N3185T.
Identifiers: ClinVar variation 3612766 (VCV003612766.2).